The following is an entry in ClinVar:

NM_002645.4(PIK3C2A):c.273T>C (p.Asp91=)

Gene: PIK3C2A (phosphatidylinositol-4-phosphate 3-kinase catalytic subunit type 2 alpha; minus strand). Cytogenetic location: 11p15.1.
Variant type: single nucleotide variant.
Coding change: c.273T>C on transcript NM_002645.4 (MANE Select); coding-DNA position 273, T replaced by C.
Protein change: p.Asp91=; no amino-acid change (aspartic acid 91 retained).
Molecular consequence: synonymous variant. On other transcripts: intron variant (1).
Genome position (GRCh38, 1-based): chr11:17,169,469, A>G on the plus strand (T>C on the coding strand, the complement: PIK3C2A is on the minus strand). VCF-style: chr11-17169469-A-G. GRCh37 (hg19) VCF-style: chr11-17191016-A-G.
Other names: c.273T>C, p.Asp91= (NM_001321378.2, NM_001386870.1); c.-75-13840T>C (NM_001321380.2); c.273T>C (NM_001321378.1).
Identifiers: ClinVar variation 1600040 (VCV001600040.10), dbSNP rs61761999, ClinGen allele CA5901596.
Genomic context (GRCh38, chr11:17,169,469, plus strand): 5'-AGTCTCGAAACTGTCATCCAGCAATAGTTTCTCAAGTTCAGCTTGGGTGAGCTTTTCTAC[A>G]TCAATATCTAATGCTCTTTTTTGGGAATCTGATTCAGGAAACACCATGAGATCATAATCC-3'
Protein context (NP_002636.2, residues 81-101): SDSQKRALDI[Asp91=]VEKLTQAELE

ClinVar aggregate classification (germline): Benign. Review status: criteria provided, single submitter (1 of 4 stars). 2 submissions from 2 submitters: Benign (1). 1 of the submissions does not count toward it. Last evaluated 2026-01-12.

Conditions:
PIK3C2A-related disorder. Also called: PIK3C2A-related condition.

Allele frequency attached by ClinVar (database versions not stated): gnomAD exomes 0.00051 and 0.00161; ExAC 0.00196; gnomAD 0.00600 and 0.00636; ESP Exome Variant Server 0.00601; 1000 Genomes Project 30x 0.00640; TOPMed 0.00657; 1000 Genomes Project 0.00699.
gnomAD v4.1: 1,704 of 1,614,074 alleles (0.11%); highest among the groups gnomAD compares: African/African-American, 2%; 27 homozygotes.

Submissions (2):

Labcorp Genetics (formerly Invitae), Labcorp
Classification: Benign. Last evaluated: 2026-01-12. Review status: criteria provided, single submitter. Criteria: Invitae Variant Classification Sherloc (09022015). Collection method: clinical testing. Allele origin: germline.

PreventionGenetics, part of Exact Sciences
Classification: Benign for PIK3C2A-related condition. Last evaluated: 2019-11-14. Review status: no assertion criteria provided. Collection method: clinical testing. Allele origin: germline. Not counted in ClinVar's aggregate classification.
Comment: This variant is classified as benign based on ACMG/AMP sequence variant interpretation guidelines (Richards et al. 2015 PMID: 25741868, with internal and published modifications).